The following is an entry in ClinVar:

NM_000369.5(TSHR):c.1552G>T (p.Glu518Ter)

Genes: TSHR (thyroid stimulating hormone receptor; plus strand), TSHR-AS1 (TSHR antisense RNA 1; minus strand). Cytogenetic location: 14q31.1.
Variant type: single nucleotide variant.
Coding change: c.1552G>T on transcript NM_000369.5 (MANE Select); coding-DNA position 1552, G replaced by T.
Protein change: p.Glu518Ter; replaces glutamic acid 518 with a stop codon.
Molecular consequence: nonsense.
Genome position (GRCh38, 1-based): chr14:81,143,610, G>T. VCF-style: chr14-81143610-G-T. GRCh37 (hg19) VCF-style: chr14-81609954-G-T.
Other names: short protein forms E518*.
Identifiers: ClinVar variation 3377496 (VCV003377496.1).

ClinVar aggregate classification (germline): Pathogenic (1 of 4 stars; one submission).

Conditions:
Hypothyroidism due to TSH receptor mutations. Also called: THYROID-STIMULATING HORMONE, RESISTANCE TO; TSH RESISTANCE; Hypothyroidism, congenital, nongoitrous, 1; HYPOTHYROIDISM DUE TO UNRESPONSIVENESS TO THYROTROPIN; HYPOTHYROIDISM, CONGENITAL, DUE TO TSH RESISTANCE; HYPOTHYROIDISM, NONAUTOIMMUNE. Identifiers: Orphanet 90673, MedGen C3493776, MONDO:0010142, OMIM 275200.

Submission:

Victorian Clinical Genetics Services, Murdoch Childrens Research Institute
Classification: Pathogenic for Hypothyroidism due to TSH receptor mutations. Last evaluated: 2019-08-28. Review status: criteria provided, single submitter. Criteria: ACMG Guidelines, 2015. Collection method: clinical testing. Allele origin: germline. Affected: yes.
Comment: A heterozygous nonsense variant was identified, NM_000369.2(TSHR):c.1552G>T in exon 10 of 10 of the TSHR gene. This nonsense variant is predicted to create a change of glutamic acid to a stop at amino acid position 518 of the protein, NP_000360.2(TSHR):p.(Glu518*), resulting in the loss of normal protein function through truncation (almost one third of the protein), including loss of 7tmA_TSH-R domain, important for protein function (Chazenbalk, G.D. et al., 1990; Kosugi, S. & Mori, T., 1994). The variant is not present in the gnomAD population database. The variant has not been previously reported in clinical cases. Other variants downstream predicted to cause a truncated protein have been reported as pathogenic in individuals with this condition (ClinVar; de Roux, N. et al., 1996; Cassio, A. et al., 2013). Based on information available at the time of curation, this variant has been classified as PATHOGENIC.